The following is an entry in ClinVar:

ClinVar aggregate classification (germline): Uncertain significance. Review status: criteria provided, multiple submitters, no conflicts (2 of 4 stars). 2 submissions from 2 submitters: Uncertain significance (2). Last evaluated 2025-10-26.

Conditions:
Inborn genetic diseases. Identifiers: MedGen C0950123, MeSH D030342.
Mosaic variegated aneuploidy syndrome 1 (MVA1). Also called: Warburton-Anyane-Yeboa syndrome. Identifiers: Orphanet 1052, MedGen C1850343, MONDO:0009759, OMIM 257300.

Allele frequency attached by ClinVar (database versions not stated): gnomAD exomes below 0.00001.

Submissions (2):

Ambry Genetics
Classification: Uncertain significance for Inborn genetic diseases. Last evaluated: 2025-10-26. Review status: criteria provided, single submitter. Criteria: Ambry Variant Classification Scheme 2023. Collection method: clinical testing. Allele origin: germline.
Comment: The p.A328T variant (also known as c.982G>A), located in coding exon 8 of the BUB1B gene, results from a G to A substitution at nucleotide position 982. The alanine at codon 328 is replaced by threonine, an amino acid with similar properties. This amino acid position is conserved. In addition, this alteration is predicted to be tolerated by in silico analysis. Since supporting evidence is limited at this time, the clinical significance of this alteration remains unclear.

Labcorp Genetics (formerly Invitae), Labcorp
Classification: Uncertain significance for Mosaic variegated aneuploidy syndrome 1. Last evaluated: 2022-01-17. Review status: criteria provided, single submitter. Criteria: Invitae Variant Classification Sherloc (09022015). Collection method: clinical testing. Allele origin: germline.
Comment: This sequence change replaces alanine, which is neutral and non-polar, with threonine, which is neutral and polar, at codon 328 of the BUB1B protein (p.Ala328Thr). This variant is not present in population databases (gnomAD no frequency). In summary, the available evidence is currently insufficient to determine the role of this variant in disease. Therefore, it has been classified as a Variant of Uncertain Significance. Algorithms developed to predict the effect of missense changes on protein structure and function output the following: SIFT: "Tolerated"; PolyPhen-2: "Benign"; Align-GVGD: "Class C0". The threonine amino acid residue is found in multiple mammalian species, which suggests that this missense change does not adversely affect protein function. ClinVar contains an entry for this variant (Variation ID: 853517). This variant has not been reported in the literature in individuals affected with BUB1B-related conditions.

NM_001211.6(BUB1B):c.982G>A (p.Ala328Thr)

Gene: BUB1B (BUB1 mitotic checkpoint serine/threonine kinase B; plus strand). Cytogenetic location: 15q15.1.
Variant type: single nucleotide variant.
Coding change: c.982G>A on transcript NM_001211.6 (MANE Select); coding-DNA position 982, G replaced by A.
Protein change: p.Ala328Thr; replaces alanine 328 with threonine.
Molecular consequence: missense variant.
Genome position (GRCh38, 1-based): chr15:40,185,566, G>A. VCF-style: chr15-40185566-G-A. GRCh37 (hg19) VCF-style: chr15-40477767-G-A.
Other names: short protein forms A328T.
Identifiers: ClinVar variation 853517 (VCV000853517.14), dbSNP rs2037350544, ClinGen allele CA391685054.
Genomic context (GRCh38, chr15:40,185,566, plus strand): 5'-AGAACATAAAACTATGGTAATTTTAGTTTTCTTCTTCATCTCCAGCCTCGTGGCAATACA[G>A]CTTCACTGATAGCTGTACCCGCTGTGCTTCCCAGTTTCACTCCATATGTGGAAGAGACTG-3'
Protein context (NP_001202.5, residues 318-338): SLEHRPRGNT[Ala328Thr]SLIAVPAVLP